The following is an entry in ClinVar:

NM_080916.3(DGUOK):c.46A>G (p.Ser16Gly)

Genes: DGUOK (deoxyguanosine kinase; plus strand), LOC129934096 (ATAC-STARR-seq lymphoblastoid active region 16036; plus strand). Cytogenetic location: 2p13.1.
Variant type: single nucleotide variant.
Coding change: c.46A>G on transcript NM_080916.3 (MANE Select); coding-DNA position 46, A replaced by G.
Protein change: p.Ser16Gly; replaces serine 16 with glycine.
Molecular consequence: missense variant. On other transcripts: 5 prime UTR variant (4), non-coding transcript variant (6).
Genome position (GRCh38, 1-based): chr2:73,926,956, A>G. VCF-style: chr2-73926956-A-G. GRCh37 (hg19) VCF-style: chr2-74154083-A-G.
Other names: c.46A>G, p.Ser16Gly (NM_001318859.2, NM_080918.3); c.-133A>G (NM_001318860.2, NM_001318863.2); c.-219A>G (NM_001318861.2, NM_001318862.2); c.46A>G (NM_080916.1); short protein forms S16G.
Identifiers: ClinVar variation 1952313 (VCV001952313.3), dbSNP rs766122973, ClinGen allele CA1718129.

ClinVar aggregate classification (germline): Uncertain significance. Review status: criteria provided, multiple submitters, no conflicts (2 of 4 stars). 2 submissions from 2 submitters: Uncertain significance (2). Last evaluated 2025-08-23.

Conditions:
Inborn genetic diseases. Identifiers: MedGen C0950123, MeSH D030342.

Allele frequency attached by ClinVar (database versions not stated): gnomAD exomes below 0.00001; TOPMed below 0.00001; ExAC 0.00001; gnomAD 0.00001.
gnomAD v4.1: 4 of 1,613,256 alleles (0.00025%); highest among the groups gnomAD compares: Admixed American, 0.005%; no homozygotes.

Submissions (2):

Ambry Genetics
Classification: Uncertain significance for Inborn genetic diseases. Last evaluated: 2025-08-23. Review status: criteria provided, single submitter. Criteria: Ambry Variant Classification Scheme 2023. Collection method: clinical testing. Allele origin: germline.

Labcorp Genetics (formerly Invitae), Labcorp
Classification: Uncertain significance. Last evaluated: 2022-08-06. Review status: criteria provided, single submitter. Criteria: Invitae Variant Classification Sherloc (09022015). Collection method: clinical testing. Allele origin: germline.
Comment: This sequence change replaces serine, which is neutral and polar, with glycine, which is neutral and non-polar, at codon 16 of the DGUOK protein (p.Ser16Gly). This variant is present in population databases (rs766122973, gnomAD 0.006%). This variant has not been reported in the literature in individuals affected with DGUOK-related conditions. Algorithms developed to predict the effect of missense changes on protein structure and function output the following: SIFT: "Tolerated"; PolyPhen-2: "Benign"; Align-GVGD: "Class C0". The glycine amino acid residue is found in multiple mammalian species, which suggests that this missense change does not adversely affect protein function. In summary, the available evidence is currently insufficient to determine the role of this variant in disease. Therefore, it has been classified as a Variant of Uncertain Significance.